The following is an entry in ClinVar:

ClinVar aggregate classification (germline): Uncertain significance. Review status: criteria provided, multiple submitters, no conflicts (2 of 4 stars). 2 submissions from 2 submitters: Uncertain significance (2). Last evaluated 2025-12-10.

Submissions (2):

GeneDx
Classification: Uncertain significance. Last evaluated: 2025-12-10. Review status: criteria provided, single submitter. Criteria: GeneDx Variant Classification Process June 2021. Collection method: clinical testing. Allele origin: germline.
Comment: Not observed at significant frequency in large population cohorts (gnomAD); In silico analysis suggests that this variant does not alter splicing; Has not been previously published as pathogenic or benign to our knowledge

Labcorp Genetics (formerly Invitae), Labcorp
Classification: Uncertain significance. Last evaluated: 2023-11-18. Review status: criteria provided, single submitter. Criteria: Invitae Variant Classification Sherloc (09022015). Collection method: clinical testing. Allele origin: germline.
Comment: This sequence change affects codon 45 of the CHD8 mRNA. It is a 'silent' change, meaning that it does not change the encoded amino acid sequence of the CHD8 protein. Information on the frequency of this variant in the gnomAD database is not available, as this variant may be reported differently in the database. This variant has not been reported in the literature in individuals affected with CHD8-related conditions. Experimental studies and prediction algorithms are not available or were not evaluated, and the functional significance of this variant is currently unknown. In summary, the available evidence is currently insufficient to determine the role of this variant in disease. Therefore, it has been classified as a Variant of Uncertain Significance.

NM_001170629.2(CHD8):c.133_134delinsAG (p.Ser45=)

Gene: CHD8 (chromodomain helicase DNA binding protein 8; minus strand). Cytogenetic location: 14q11.2.
Variant type: Indel.
Coding change: c.133_134delinsAG on transcript NM_001170629.2 (MANE Select); coding-DNA positions 133 to 134, TC replaced by AG.
Protein change: p.Ser45=; no amino-acid change (serine 45 retained).
Molecular consequence: synonymous variant. On other transcripts: intron variant (1).
Genome position (GRCh38, 1-based): chr14:21,431,510-21,431,511, GA replaced by CT on the plus strand (TC replaced by AG on the coding strand, the reverse complement: CHD8 is on the minus strand). VCF-style: chr14-21431510-GA-CT. GRCh37 (hg19) VCF-style: chr14-21899669-GA-CT.
Other names: c.133_134delinsAG (NM_001170629.1); c.6+300_6+301delinsAG (NM_020920.4).
Identifiers: ClinVar variation 2866420 (VCV002866420.5), dbSNP rs2502016757, ClinGen allele CA2739277762.